The following is an entry in ClinVar:

NM_015378.4(VPS13D):c.8310T>C (p.Pro2770=)

Gene: VPS13D (vacuolar protein sorting 13 homolog D; plus strand). Cytogenetic location: 1p36.22.
Variant type: single nucleotide variant.
Coding change: c.8310T>C on transcript NM_015378.4 (MANE Select); coding-DNA position 8310, T replaced by C.
Protein change: p.Pro2770=; no amino-acid change (proline 2770 retained).
Molecular consequence: synonymous variant.
Genome position (GRCh38, 1-based): chr1:12,333,248, T>C. VCF-style: chr1-12333248-T-C. GRCh37 (hg19) VCF-style: chr1-12393305-T-C.
Other names: c.8310T>C, p.Pro2770= (NM_018156.4).
Identifiers: ClinVar variation 1176182 (VCV001176182.41), dbSNP rs146929592, ClinGen allele CA603088.

ClinVar aggregate classification (germline): Likely benign. Review status: criteria provided, multiple submitters, no conflicts (2 of 4 stars). 2 submissions from 2 submitters: Likely benign (2). Last evaluated 2026-06-01.

Allele frequency attached by ClinVar (database versions not stated): gnomAD 0.00005; ExAC 0.00007; gnomAD exomes 0.00007 and 0.00008; ESP Exome Variant Server 0.00008; TOPMed 0.00008.
gnomAD v4.1: 110 of 1,613,928 alleles (0.0068%); highest among the groups gnomAD compares: Non-Finnish European, 0.0081%; no homozygotes.

Submissions (2):

CeGaT Center for Human Genetics Tuebingen
Classification: Likely benign. Last evaluated: 2026-06-01. Review status: criteria provided, single submitter. Criteria: CeGaT Center For Human Genetics Tuebingen Variant Classification Criteria Version 2. Collection method: clinical testing. Allele origin: germline. Affected: yes. Observed: 2 variant alleles.
Comment: VPS13D: BP4, BP7

Labcorp Genetics (formerly Invitae), Labcorp
Classification: Likely benign. Last evaluated: 2025-09-10. Review status: criteria provided, single submitter. Criteria: Invitae Variant Classification Sherloc (09022015). Collection method: clinical testing. Allele origin: germline.